The following is an entry in ClinVar:

NM_000400.4(ERCC2):c.1706T>G (p.Ile569Ser)

Gene: ERCC2 (ERCC excision repair 2, TFIIH core complex helicase subunit; minus strand). Cytogenetic location: 19q13.32.
Variant type: single nucleotide variant.
Coding change: c.1706T>G on transcript NM_000400.4 (MANE Select); coding-DNA position 1706, T replaced by G.
Protein change: p.Ile569Ser; replaces isoleucine 569 with serine.
Molecular consequence: missense variant.
Genome position (GRCh38, 1-based): chr19:45,353,294, A>C on the plus strand (T>G on the coding strand, the complement: ERCC2 is on the minus strand). VCF-style: chr19-45353294-A-C. GRCh37 (hg19) VCF-style: chr19-45856552-A-C.
Other names: short protein forms I569S.
Identifiers: ClinVar variation 1778463 (VCV001778463.4), dbSNP rs1163690129, ClinGen allele CA406364457.

ClinVar aggregate classification (germline): Uncertain significance. Review status: criteria provided, multiple submitters, no conflicts (2 of 4 stars). 2 submissions from 2 submitters: Uncertain significance (2). Last evaluated 2022-05-09.

Conditions:
Inborn genetic diseases. Identifiers: MedGen C0950123, MeSH D030342.

Allele frequency attached by ClinVar (database versions not stated): TOPMed below 0.00001.

Submissions (2):

Ambry Genetics
Classification: Uncertain significance for Inborn genetic diseases. Last evaluated: 2022-05-09. Review status: criteria provided, single submitter. Criteria: Ambry Variant Classification Scheme 2023. Collection method: clinical testing. Allele origin: germline.
Comment: The p.I569S variant (also known as c.1706T>G), located in coding exon 18 of the ERCC2 gene, results from a T to G substitution at nucleotide position 1706. The isoleucine at codon 569 is replaced by serine, an amino acid with dissimilar properties. This amino acid position is conserved. In addition, this alteration is predicted to be deleterious by in silico analysis. Since supporting evidence is limited at this time, the clinical significance of this alteration remains unclear.

Labcorp Genetics (formerly Invitae), Labcorp
Classification: Uncertain significance. Last evaluated: 2022-03-04. Review status: criteria provided, single submitter. Criteria: Invitae Variant Classification Sherloc (09022015). Collection method: clinical testing. Allele origin: germline.
Comment: This sequence change replaces isoleucine, which is neutral and non-polar, with serine, which is neutral and polar, at codon 569 of the ERCC2 protein (p.Ile569Ser). This variant is not present in population databases (gnomAD no frequency). This variant has not been reported in the literature in individuals affected with ERCC2-related conditions. Algorithms developed to predict the effect of missense changes on protein structure and function are either unavailable or do not agree on the potential impact of this missense change (SIFT: "Deleterious"; PolyPhen-2: "Probably Damaging"; Align-GVGD: "Class C0"). In summary, the available evidence is currently insufficient to determine the role of this variant in disease. Therefore, it has been classified as a Variant of Uncertain Significance.